The following is an entry in ClinVar:

ClinVar aggregate classification (germline): Uncertain significance (1 of 4 stars; one submission).

Allele frequency attached by ClinVar (database versions not stated): TOPMed 0.00005; gnomAD 0.00007; gnomAD exomes 0.00007.
gnomAD v4.1: 70 of 1,521,528 alleles (0.0046%); highest among the groups gnomAD compares: Admixed American, 0.008%; no homozygotes.

Submission:

Labcorp Genetics (formerly Invitae), Labcorp
Classification: Uncertain significance. Last evaluated: 2026-01-27. Review status: criteria provided, single submitter. Criteria: Invitae Variant Classification Sherloc (09022015). Collection method: clinical testing. Allele origin: germline.
Comment: This sequence change replaces proline, which is neutral and non-polar, with arginine, which is basic and polar, at codon 30 of the RELB protein (p.Pro30Arg). This variant is present in population databases (rs768414685, gnomAD 0.03%). This variant has not been reported in the literature in individuals affected with RELB-related conditions. ClinVar contains an entry for this variant (Variation ID: 1356718). An algorithm developed to predict the effect of missense changes on protein structure and function (PolyPhen-2) suggests that this variant is likely to be tolerated. In summary, the available evidence is currently insufficient to determine the role of this variant in disease. Therefore, it has been classified as a Variant of Uncertain Significance.

NM_006509.4(RELB):c.89C>G (p.Pro30Arg)

Genes: RELB (RELB proto-oncogene, NF-kB subunit; plus strand), LOC130064661 (ATAC-STARR-seq lymphoblastoid silent region 10746; plus strand). Cytogenetic location: 19q13.32.
Variant type: single nucleotide variant.
Coding change: c.89C>G on transcript NM_006509.4 (MANE Select); coding-DNA position 89, C replaced by G.
Protein change: p.Pro30Arg; replaces proline 30 with arginine.
Molecular consequence: missense variant.
Genome position (GRCh38, 1-based): chr19:45,001,668, C>G. VCF-style: chr19-45001668-C-G. GRCh37 (hg19) VCF-style: chr19-45504926-C-G.
Other names: short protein forms P30R.
Identifiers: ClinVar variation 1356718 (VCV001356718.8), dbSNP rs768414685, ClinGen allele CA9507414.